The following is an entry in ClinVar:

ClinVar aggregate classification (germline): Uncertain significance (1 of 4 stars; one submission).

Conditions:
Inborn genetic diseases. Identifiers: MedGen C0950123, MeSH D030342.

Allele frequency attached by ClinVar (database versions not stated): TOPMed below 0.00001.
gnomAD v4.1: 1 of 1,614,076 alleles (0.000062%); highest among the groups gnomAD compares: Non-Finnish European, 0.000085%; no homozygotes.

Submission:

Ambry Genetics
Classification: Uncertain significance for Inborn genetic diseases. Last evaluated: 2023-06-18. Review status: criteria provided, single submitter. Criteria: Ambry Variant Classification Scheme 2023. Collection method: clinical testing. Allele origin: germline.
Comment: The p.T2237N variant (also known as c.6710C>A), located in coding exon 45 of the LRRK2 gene, results from a C to A substitution at nucleotide position 6710. The threonine at codon 2237 is replaced by asparagine, an amino acid with similar properties. This amino acid position is conserved. In addition, this alteration is predicted to be tolerated by in silico analysis. Since supporting evidence is limited at this time, the clinical significance of this alteration remains unclear.

NM_198578.4(LRRK2):c.6710C>A (p.Thr2237Asn)

Gene: LRRK2 (leucine rich repeat kinase 2; plus strand). Cytogenetic location: 12q12.
Variant type: single nucleotide variant.
Coding change: c.6710C>A on transcript NM_198578.4 (MANE Select); coding-DNA position 6710, C replaced by A.
Protein change: p.Thr2237Asn; replaces threonine 2237 with asparagine.
Molecular consequence: missense variant.
Genome position (GRCh38, 1-based): chr12:40,354,432, C>A. VCF-style: chr12-40354432-C-A. GRCh37 (hg19) VCF-style: chr12-40748234-C-A.
Other names: short protein forms T2237N.
Identifiers: ClinVar variation 2587232 (VCV002587232.2), dbSNP rs1946464510, ClinGen allele CA384409415.